The following is an entry in ClinVar:

ClinVar aggregate classification (germline): Pathogenic (1 of 4 stars; one submission).

Conditions:
Inborn genetic diseases. Identifiers: MedGen C0950123, MeSH D030342.

Submission:

Ambry Genetics
Classification: Pathogenic for Inborn genetic diseases. Last evaluated: 2025-08-28. Review status: criteria provided, single submitter. Criteria: Ambry Variant Classification Scheme 2023. Collection method: clinical testing. Allele origin: germline.
Comment: The c.337_338delCA (p.Q113Vfs*53) alteration, located in exon 3 (coding exon 3) of the EBF3 gene, consists of a deletion of 2 nucleotides from position 337 to 338, causing a translational frameshift with a predicted alternate stop codon after 53 amino acids. This alteration is expected to result in loss of function by premature protein truncation or nonsense-mediated mRNA decay. This variant was not reported in population-based cohorts in the Genome Aggregation Database (gnomAD). Based on the available evidence, this alteration is classified as pathogenic.

NM_001375380.1(EBF3):c.337_338del (p.Gln113fs)

Gene: EBF3 (EBF transcription factor 3; minus strand). Cytogenetic location: 10q26.3.
Variant type: Deletion.
Coding change: c.337_338del on transcript NM_001375380.1 (MANE Select); coding-DNA positions 337 to 338, 2 bases deleted (CA; older notation c.337_338delCA).
Protein change: p.Gln113fs; shifts the reading frame from glutamine 113.
Molecular consequence: frameshift variant.
Genome position (GRCh38, 1-based): chr10:129,962,959-129,962,960, TG deleted on the plus strand (CA on the coding strand, the reverse complement: EBF3 is on the minus strand). VCF-style (leftmost placement, unchanged base first): chr10-129962958-CTG-C. GRCh37 (hg19) VCF-style: chr10-131761222-CTG-C.
Other names: c.337_338del, p.Gln113fs (NM_001005463.3, NM_001375379.1, NM_001375389.1 and 3 more transcripts); short protein forms Q113fs.
Identifiers: ClinVar variation 4246239 (VCV004246239.1).